The following is an entry in ClinVar:

ClinVar aggregate classification (germline): Uncertain significance (1 of 4 stars; one submission).

Conditions:
Progressive microcephaly-seizures-cortical blindness-developmental delay syndrome. Also called: Seizures, cortical blindness, and microcephaly syndrome. Identifiers: Orphanet 477814, MedGen C5567650, MONDO:0014714, OMIM 616632.
Autosomal dominant nonsyndromic hearing loss 1. Also called: KONIGSMARK SYNDROME; DEAFNESS, AUTOSOMAL DOMINANT 1, WITH OR WITHOUT THROMBOCYTOPENIA. Identifiers: Orphanet 90635, MedGen C1852282, MONDO:0007424, OMIM 124900.

Submission:

Labcorp Genetics (formerly Invitae), Labcorp
Classification: Uncertain significance for Progressive microcephaly-seizures-cortical blindness-developmental delay syndrome; Autosomal dominant nonsyndromic hearing loss 1. Last evaluated: 2023-01-10. Review status: criteria provided, single submitter. Criteria: Invitae Variant Classification Sherloc (09022015). Collection method: clinical testing. Allele origin: germline.
Comment: Algorithms developed to predict the effect of missense changes on protein structure and function are either unavailable or do not agree on the potential impact of this missense change (SIFT: "Deleterious"; PolyPhen-2: "Not Available"; Align-GVGD: "Class C0"). In summary, the available evidence is currently insufficient to determine the role of this variant in disease. Therefore, it has been classified as a Variant of Uncertain Significance. This variant has not been reported in the literature in individuals affected with DIAPH1-related conditions. This variant is not present in population databases (gnomAD no frequency). This sequence change replaces glycine, which is neutral and non-polar, with arginine, which is basic and polar, at codon 546 of the DIAPH1 protein (p.Gly546Arg).

NM_005219.5(DIAPH1):c.1636G>A (p.Gly546Arg)

Gene: DIAPH1 (diaphanous related formin 1; minus strand). Cytogenetic location: 5q31.3.
Variant type: single nucleotide variant.
Coding change: c.1636G>A on transcript NM_005219.5 (MANE Select); coding-DNA position 1636, G replaced by A.
Protein change: p.Gly546Arg; replaces glycine 546 with arginine.
Molecular consequence: missense variant.
Genome position (GRCh38, 1-based): chr5:141,574,972, C>T on the plus strand (G>A on the coding strand, the complement: DIAPH1 is on the minus strand). VCF-style: chr5-141574972-C-T. GRCh37 (hg19) VCF-style: chr5-140954539-C-T.
Other names: c.1609G>A, p.Gly537Arg (NM_001079812.3); c.1636G>A, p.Gly546Arg (NM_001314007.2); short protein forms G537R, G546R.
Identifiers: ClinVar variation 2943065 (VCV002943065.3), dbSNP rs2513745488, ClinGen allele CA361522919.